The following is an entry in ClinVar:

ClinVar aggregate classification (germline): Uncertain significance (1 of 4 stars; one submission).

Conditions:
Combined oxidative phosphorylation defect type 27. Also called: Combined oxidative phosphorylation deficiency 27. Identifiers: Orphanet 477774, MedGen C5567608, MONDO:0014728, OMIM 616672.

Allele frequency attached by ClinVar (database versions not stated): gnomAD exomes below 0.00001.
gnomAD v4.1: 2 of 1,613,752 alleles (0.00012%); highest among the groups gnomAD compares: Non-Finnish European, 0.00017%; no homozygotes.

Submission:

Labcorp Genetics (formerly Invitae), Labcorp
Classification: Uncertain significance for Combined oxidative phosphorylation defect type 27. Last evaluated: 2024-08-12. Review status: criteria provided, single submitter. Criteria: Invitae Variant Classification Sherloc (09022015). Collection method: clinical testing. Allele origin: germline.
Comment: This sequence change replaces methionine, which is neutral and non-polar, with threonine, which is neutral and polar, at codon 263 of the CARS2 protein (p.Met263Thr). This variant is not present in population databases (gnomAD no frequency). This variant has not been reported in the literature in individuals affected with CARS2-related conditions. ClinVar contains an entry for this variant (Variation ID: 1358650). An algorithm developed to predict the effect of missense changes on protein structure and function outputs the following: PolyPhen-2: "Benign". The threonine amino acid residue is found in multiple mammalian species, which suggests that this missense change does not adversely affect protein function. In summary, the available evidence is currently insufficient to determine the role of this variant in disease. Therefore, it has been classified as a Variant of Uncertain Significance.

NM_024537.4(CARS2):c.788T>C (p.Met263Thr)

Gene: CARS2 (cysteinyl-tRNA synthetase 2, mitochondrial; minus strand). Cytogenetic location: 13q34.
Variant type: single nucleotide variant.
Coding change: c.788T>C on transcript NM_024537.4 (MANE Select); coding-DNA position 788, T replaced by C.
Protein change: p.Met263Thr; replaces methionine 263 with threonine.
Molecular consequence: missense variant. On other transcripts: initiator codon variant (1), non-coding transcript variant (2).
Genome position (GRCh38, 1-based): chr13:110,667,471, A>G on the plus strand (T>C on the coding strand, the complement: CARS2 is on the minus strand). VCF-style: chr13-110667471-A-G. GRCh37 (hg19) VCF-style: chr13-111319818-A-G.
Other names: c.2T>C, p.Met1Thr (NM_001352252.2); c.788T>C, p.Met263Thr (NM_001352253.3); short protein forms M263T, M1T.
Identifiers: ClinVar variation 1358650 (VCV001358650.8), dbSNP rs2139765950, ClinGen allele CA388750718.